The following is an entry in ClinVar:

ClinVar aggregate classification (germline): Uncertain significance (1 of 4 stars; one submission).

Submission:

Greenwood Genetic Center Diagnostic Laboratories, Greenwood Genetic Center
Classification: Uncertain significance. Last evaluated: 2026-04-08. Review status: criteria provided, single submitter. Criteria: ACMG Guidelines, 2015. Collection method: clinical testing. Allele origin: germline.
Comment: PM2, BP4, PP2

NM_001348800.3(ZBTB20):c.95G>A (p.Gly32Asp)

Genes: ZBTB20 (zinc finger and BTB domain containing 20; minus strand), ZBTB20-AS1 (ZBTB20 antisense RNA 1; plus strand). Cytogenetic location: 3q13.31.
Variant type: single nucleotide variant.
Coding change: c.95G>A on transcript NM_001348800.3 (MANE Select); coding-DNA position 95, G replaced by A.
Protein change: p.Gly32Asp; replaces glycine 32 with aspartic acid.
Molecular consequence: missense variant. On other transcripts: 5 prime UTR variant (12), non-coding transcript variant (1).
Genome position (GRCh38, 1-based): chr3:114,380,321, C>T on the plus strand (G>A on the coding strand, the complement: ZBTB20 is on the minus strand). VCF-style: chr3-114380321-C-T. GRCh37 (hg19) VCF-style: chr3-114099168-C-T.
Other names: c.95G>A, p.Gly32Asp (NM_001164342.2, NM_001348803.3, NM_001393393.1 and 1 more transcripts); c.-125G>A (NM_001164343.2, NM_001164344.4, NM_001164345.4 and 9 more transcripts); short protein forms G32D.
Identifiers: ClinVar variation 4891203 (VCV004891203.1).
Genomic context (GRCh38, chr3:114,380,321, plus strand): 5'-GTTGAGTGGATGAGGGCTGGGTCTGGAGACAAAACAGCTTCAAAGTTCAGGCAGGGAAGG[C>T]CCGGCTTGGCGCTGGATCCACCCGGCTGAGTAATCTCATTCTCCTCAGATGCCTTCTGGT-3'
Protein context (NP_001335729.1, residues 22-42): TQPGGSSAKP[Gly32Asp]LPCLNFEAVL